The following is an entry in ClinVar:

ClinVar aggregate classification (germline): Likely pathogenic (1 of 4 stars; one submission).

Submission:

Labcorp Genetics (formerly Invitae), Labcorp
Classification: Likely pathogenic. Last evaluated: 2024-02-14. Review status: criteria provided, single submitter. Criteria: Invitae Variant Classification Sherloc (09022015). Collection method: clinical testing. Allele origin: germline.
Comment: This sequence change affects an acceptor splice site in intron 5 of the FMO3 gene. It is expected to disrupt RNA splicing. Variants that disrupt the donor or acceptor splice site typically lead to a loss of protein function (PMID: 16199547), and loss-of-function variants in FMO3 are known to be pathogenic (PMID: 20301282). This variant is not present in population databases (gnomAD no frequency). This variant has not been reported in the literature in individuals affected with FMO3-related conditions. Algorithms developed to predict the effect of sequence changes on RNA splicing suggest that this variant may disrupt the consensus splice site. In summary, the currently available evidence indicates that the variant is pathogenic, but additional data are needed to prove that conclusively. Therefore, this variant has been classified as Likely Pathogenic.

Literature cited by the submitters: PubMed 16199547; PubMed 20301282.

NM_001002294.3(FMO3):c.628-2A>G

Gene: FMO3 (flavin containing dimethylaniline monoxygenase 3; plus strand). Cytogenetic location: 1q24.3.
Variant type: single nucleotide variant.
Coding change: c.628-2A>G on transcript NM_001002294.3 (MANE Select); the canonical splice acceptor site of the intron before coding-DNA position 628, A replaced by G.
Molecular consequence: splice acceptor variant.
Genome position (GRCh38, 1-based): chr1:171,110,796, A>G. VCF-style: chr1-171110796-A-G. GRCh37 (hg19) VCF-style: chr1-171079937-A-G.
Other names: c.439-2A>G (NM_001319174.2); c.568-2A>G (NM_001319173.2); c.628-2A>G (NM_006894.6).
Identifiers: ClinVar variation 3640860 (VCV003640860.2).